The following is an entry in ClinVar:

ClinVar aggregate classification (germline): Conflicting classifications of pathogenicity. Review status: criteria provided, conflicting classifications (1 of 4 stars). 5 submissions from 5 submitters: Uncertain significance (4); Likely benign (1). Last evaluated 2025-12-01.

Conditions:
Cardiovascular phenotype. Identifiers: MedGen CN230736.
Brugada syndrome 4 (BRGDA4). Identifiers: Orphanet 130, MedGen C2678477, MONDO:0012743, OMIM 611876.

Allele frequency attached by ClinVar (database versions not stated): gnomAD 0.00006 and 0.00007; TOPMed 0.00007; ExAC 0.00008; ESP Exome Variant Server 0.00008; gnomAD exomes 0.00008 and 0.00010; 1000 Genomes Project 0.00020; 1000 Genomes Project 30x 0.00031.
gnomAD v4.1: 160 of 1,614,032 alleles (0.0099%); highest among the groups gnomAD compares: South Asian, 0.032%; 2 homozygotes.

Submissions (5):

Labcorp Genetics (formerly Invitae), Labcorp
Classification: Uncertain significance for Brugada syndrome 4. Last evaluated: 2025-12-01. Review status: criteria provided, single submitter. Criteria: Invitae Variant Classification Sherloc (09022015). Collection method: clinical testing. Allele origin: germline.
Comment: This sequence change replaces glutamic acid, which is acidic and polar, with lysine, which is basic and polar, at codon 507 of the CACNB2 protein (p.Glu507Lys). This variant is present in population databases (rs199714857, gnomAD 0.03%). This missense change has been observed in individual(s) with Brugada syndrome (PMID: 26220970). ClinVar contains an entry for this variant (Variation ID: 575677). Invitae Evidence Modeling of protein sequence and biophysical properties (such as structural, functional, and spatial information, amino acid conservation, physicochemical variation, residue mobility, and thermodynamic stability) indicates that this missense variant is not expected to disrupt CACNB2 protein function with a negative predictive value of 80%. In summary, the available evidence is currently insufficient to determine the role of this variant in disease. Therefore, it has been classified as a Variant of Uncertain Significance.

Mayo Clinic Laboratories, Mayo Clinic
Classification: Uncertain significance. Last evaluated: 2025-08-08. Review status: criteria provided, single submitter. Criteria: ACMG Guidelines, 2015. Collection method: clinical testing. Allele origin: germline. Observed: 2 variant alleles.
Comment: BP4

Ambry Genetics
Classification: Likely benign for Cardiovascular phenotype. Last evaluated: 2025-06-25. Review status: criteria provided, single submitter. Criteria: Ambry Variant Classification Scheme 2023. Collection method: clinical testing. Allele origin: germline.

Fulgent Genetics
Classification: Uncertain significance for Brugada syndrome 4. Last evaluated: 2021-10-13. Review status: criteria provided, single submitter. Criteria: ACMG Guidelines, 2015. Collection method: clinical testing. Allele origin: unknown.

Victorian Clinical Genetics Services, Murdoch Childrens Research Institute
Classification: Uncertain significance for Brugada syndrome 4. Last evaluated: 2020-07-02. Review status: criteria provided, single submitter. Criteria: ACMG Guidelines, 2015. Collection method: clinical testing. Allele origin: germline. Inheritance: Unknown mechanism.
Comment: Based on the classification scheme VCGS_Germline_v1.3.3, this variant is classified as 3C-VUS. Following criteria are met: 0105 - The mechanism of disease for this gene is not clearly established. (I) 0111 - The inheritance pattern for this gene is unknown. An inheritance pattern has not been provided by OMIM and ClinGen dispute its association with Brugada syndrome. (I) 0200 - Variant is predicted to result in a missense amino acid change from glutamic acid to lysine. (I) 0251 - This variant is heterozygous. (I) 0302 - Variant is present in gnomAD (v2) <0.001 for a dominant condition (23 heterozygotes, 0 homozygotes). (I) 0503 - Missense variant consistently predicted to be tolerated by multiple in silico tools or not conserved in placental mammals with a minor amino acid change. (SB) 0604 - Variant is not located in an established domain, motif, hotspot or informative constraint region. (I) 0705 - No comparable missense variants have previous evidence for pathogenicity. (I) 0809 - Previous evidence of pathogenicity for this variant is inconclusive. This variant has one VUS entry in ClinVar and has previously been classified as a VUS with low clinical relevance in a Brugada patient tested at VCGS. (I) 0905 - No published segregation evidence has been identified for this variant. (I) 1007 - No published functional evidence has been identified for this variant. (I) 1208 - Inheritance information for this variant is not currently available in this individual. (I) Legend: (SP) - Supporting pathogenic, (I) - Information, (SB) - Supporting benign

Literature cited by the submitters: PubMed 26220970 (cited by 3 submitters).

NM_201596.3(CACNB2):c.1681G>A (p.Glu561Lys)

Gene: CACNB2 (calcium voltage-gated channel auxiliary subunit beta 2; plus strand). Cytogenetic location: 10p12.31.
Variant type: single nucleotide variant.
Coding change: c.1681G>A on transcript NM_201596.3 (MANE Select); coding-DNA position 1681, G replaced by A.
Protein change: p.Glu561Lys; replaces glutamic acid 561 with lysine.
Molecular consequence: missense variant.
Genome position (GRCh38, 1-based): chr10:18,539,422, G>A. VCF-style: chr10-18539422-G-A. GRCh37 (hg19) VCF-style: chr10-18828351-G-A.
Other names: p.Glu507Lys; c.1516G>A, p.Glu506Lys (NM_000724.4); c.1483G>A, p.Glu495Lys (NM_001167945.2); c.1402G>A, p.Glu468Lys (NM_001330060.2); c.1537G>A, p.Glu513Lys (NM_201570.3); c.1597G>A, p.Glu533Lys (NM_201571.4); c.1525G>A, p.Glu509Lys (NM_201572.4); c.1519G>A, p.Glu507Lys (NM_201590.3); and 2 more; short protein forms E507K, E561K, E506K, E509K, E495K, E537K, E468K, E513K.
Identifiers: ClinVar variation 575677 (VCV000575677.13), dbSNP rs199714857, ClinGen allele CA5430126.